The following is an entry in ClinVar:

NM_004456.5(EZH2):c.1835A>G (p.Gln612Arg)

Gene: EZH2 (enhancer of zeste 2 polycomb repressive complex 2 subunit; minus strand). Cytogenetic location: 7q36.1.
Variant type: single nucleotide variant.
Coding change: c.1835A>G on transcript NM_004456.5 (MANE Select); coding-DNA position 1835, A replaced by G.
Protein change: p.Gln612Arg; replaces glutamine 612 with arginine.
Molecular consequence: missense variant.
Genome position (GRCh38, 1-based): chr7:148,813,975, T>C on the plus strand (A>G on the coding strand, the complement: EZH2 is on the minus strand). VCF-style: chr7-148813975-T-C. GRCh37 (hg19) VCF-style: chr7-148511067-T-C.
Other names: c.1820A>G, p.Gln607Arg (NM_001203247.2); c.1793A>G, p.Gln598Arg (NM_001203248.2); c.1667A>G, p.Gln556Arg (NM_001203249.2); c.1703A>G, p.Gln568Arg (NM_152998.3); short protein forms Q556R, Q568R, Q598R, Q607R, Q612R.
Identifiers: ClinVar variation 2502056 (VCV002502056.1), dbSNP rs2536484497, ClinGen allele CA369713271.

ClinVar aggregate classification (germline): Uncertain significance (1 of 4 stars; one submission).

Submission:

GeneDx
Classification: Uncertain significance. Last evaluated: 2022-11-11. Review status: criteria provided, single submitter. Criteria: GeneDx Variant Classification Process June 2021. Collection method: clinical testing. Allele origin: germline. Affected: yes.
Comment: Not observed at significant frequency in large population cohorts (gnomAD); In silico analysis supports that this missense variant has a deleterious effect on protein structure/function; Has not been previously published as pathogenic or benign to our knowledge